The following is an entry in ClinVar:

ClinVar aggregate classification (germline): Uncertain significance (1 of 4 stars; one submission).

Submission:

GeneDx
Classification: Uncertain significance. Last evaluated: 2025-04-24. Review status: criteria provided, single submitter. Criteria: GeneDx Variant Classification Process June 2021. Collection method: clinical testing. Allele origin: germline. Affected: yes.
Comment: Not observed at significant frequency in large population cohorts (gnomAD); In silico analysis supports that this missense variant has a deleterious effect on protein structure/function; Has not been previously published as pathogenic or benign to our knowledge

NM_001961.4(EEF2):c.1180C>T (p.Leu394Phe)

Gene: EEF2 (eukaryotic translation elongation factor 2; minus strand). Cytogenetic location: 19p13.3.
Variant type: single nucleotide variant.
Coding change: c.1180C>T on transcript NM_001961.4 (MANE Select); coding-DNA position 1180, C replaced by T.
Protein change: p.Leu394Phe; replaces leucine 394 with phenylalanine.
Molecular consequence: missense variant.
Genome position (GRCh38, 1-based): chr19:3,980,680, G>A on the plus strand (C>T on the coding strand, the complement: EEF2 is on the minus strand). VCF-style: chr19-3980680-G-A. GRCh37 (hg19) VCF-style: chr19-3980678-G-A.
Other names: short protein forms L394F.
Identifiers: ClinVar variation 4527425 (VCV004527425.1).